The following is an entry in ClinVar:

ClinVar aggregate classification (germline): Likely pathogenic (1 of 4 stars; one submission).

Conditions:
Hereditary acrodermatitis enteropathica (AEZ). Also called: Acrodermatitis enteropathica. Identifiers: Orphanet 37, MedGen C0221036, MONDO:0008713, OMIM 201100.

Submission:

Natera, Inc.
Classification: Likely pathogenic for Acrodermatitis enteropathica. Last evaluated: 2025-12-19. Review status: criteria provided, single submitter. Criteria: Natera Variant Classification Schema (03/2026). Collection method: clinical testing. Allele origin: germline.
Comment: The c.1596del variant in SLC39A4 is a frameshift variant predicted to shift the reading frame beginning at codon 533 and leads to a stop codon 29 codons downstream. This variant is expected to result in nonsense mediated decay, truncation, or a dysfunctional protein product. This variant is rare in the general population with a frequency below the threshold expected for the associated phenotype(s). Given the available evidence, this variant is classified as Likely Pathogenic.

NM_130849.4(SLC39A4):c.1596del (p.Val533fs)

Gene: SLC39A4 (solute carrier family 39 member 4; minus strand). Cytogenetic location: 8q24.3.
Variant type: Deletion.
Coding change: c.1596del on transcript NM_130849.4 (MANE Select); coding-DNA position 1596, one base deleted (C; older notation c.1596delC).
Protein change: p.Val533fs; shifts the reading frame from valine 533.
Molecular consequence: frameshift variant.
Genome position (GRCh38, 1-based): chr8:144,413,268, G deleted on the plus strand (C on the coding strand, the reverse complement: SLC39A4 is on the minus strand); the first of 2 consecutive G bases (chr8:144,413,268-144,413,269); deleting either gives the same sequence. VCF-style (leftmost placement, unchanged base first): chr8-144413267-CG-C. GRCh37 (hg19) VCF-style: chr8-145638651-CG-C.
Other names: c.102del, p.Val35fs (NM_001280557.2); c.1314del, p.Val439fs (NM_001374839.1); c.1521del, p.Val508fs (NM_017767.3); short protein forms V35fs, V439fs, V508fs, V533fs.
Identifiers: ClinVar variation 4816457 (VCV004816457.1).